The following is an entry in ClinVar:

ClinVar aggregate classification (germline): Uncertain significance (1 of 4 stars; one submission).

Submission:

CeGaT Center for Human Genetics Tuebingen
Classification: Uncertain significance. Last evaluated: 2025-07-01. Review status: criteria provided, single submitter. Criteria: CeGaT Center For Human Genetics Tuebingen Variant Classification Criteria Version 2. Collection method: clinical testing. Allele origin: germline. Affected: yes. Observed: 1 variant allele.
Comment: F12: PM2

NM_000505.4(F12):c.636C>A (p.Asp212Glu)

Gene: F12 (coagulation factor XII; minus strand). Cytogenetic location: 5q35.3.
Variant type: single nucleotide variant.
Coding change: c.636C>A on transcript NM_000505.4 (MANE Select); coding-DNA position 636, C replaced by A.
Protein change: p.Asp212Glu; replaces aspartic acid 212 with glutamic acid.
Molecular consequence: missense variant.
Genome position (GRCh38, 1-based): chr5:177,404,663, G>T on the plus strand (C>A on the coding strand, the complement: F12 is on the minus strand). VCF-style: chr5-177404663-G-T. GRCh37 (hg19) VCF-style: chr5-176831664-G-T.
Other names: short protein forms D212E.
Identifiers: ClinVar variation 4085338 (VCV004085338.8).
Genomic context (GRCh38, chr5:177,404,663, plus strand): 5'-CGTGGTCCTGGCCAGGCCGCGGTAGCTGAGCCCGCGGCCATCATAGCAGCTTGCCTTGGT[G>T]TCTGAGGAGAAAGGGGGCTCCCTGGGCAGCCAAGGCTGGGCTCTCCTGCCTCCCTCTCAT-3'
Protein context (NP_000496.2, residues 202-222): VGYTGAFCDV[Asp212Glu]TKASCYDGRG